The following is an entry in ClinVar:

ClinVar aggregate classification (germline): Likely benign (1 of 4 stars; one submission).

Conditions:
FSCN2-related disorder. Also called: FSCN2-related condition.

Submission:

PreventionGenetics, part of Exact Sciences
Classification: Likely benign for FSCN2-related condition. Last evaluated: 2026-04-13. Review status: criteria provided, single submitter. Criteria: ACMG Guidelines, 2015. Collection method: clinical testing. Allele origin: germline.
Comment: This variant is classified as likely benign based on ACMG/AMP sequence variant interpretation guidelines (Richards et al. 2015 PMID: 25741868, with internal and published modifications).

NM_012418.4(FSCN2):c.99C>A (p.Val33=)

Gene: FSCN2 (fascin actin-bundling protein 2, retinal; plus strand). Cytogenetic location: 17q25.3.
Variant type: single nucleotide variant.
Coding change: c.99C>A on transcript NM_012418.4 (MANE Select); coding-DNA position 99, C replaced by A.
Protein change: p.Val33=; no amino-acid change (valine 33 retained).
Molecular consequence: synonymous variant.
Genome position (GRCh38, 1-based): chr17:81,528,630, C>A. VCF-style: chr17-81528630-C-A. GRCh37 (hg19) VCF-style: chr17-79495656-C-A.
Other names: c.99C>A, p.Val33= (NM_001077182.3).
Identifiers: ClinVar variation 4996144 (VCV004996144.1).